The following is an entry in ClinVar:

ClinVar aggregate classification (germline): Conflicting classifications of pathogenicity. Review status: criteria provided, conflicting classifications (1 of 4 stars). 4 submissions from 4 submitters: Uncertain significance (3); Likely benign (1). Last evaluated 2024-10-21.

Conditions:
Familial adenomatous polyposis 1 (FAP1). Also called: POLYPOSIS, ADENOMATOUS INTESTINAL; FAMILIAL ADENOMATOUS POLYPOSIS 1, ATTENUATED. Identifiers: MedGen C2713442, MONDO:0021056, OMIM 175100. Disease mechanism: loss of function.
Hereditary cancer-predisposing syndrome. Also called: Hereditary neoplastic syndrome; Neoplastic Syndromes, Hereditary; Tumor predisposition; Hereditary Cancer Syndrome. Identifiers: Orphanet 140162, MedGen C0027672, MeSH D009386, MONDO:0015356.

Allele frequency attached by ClinVar (database versions not stated): TOPMed below 0.00001; ExAC 0.00001; gnomAD exomes 0.00001; ESP Exome Variant Server 0.00008.

Submissions (4):

Labcorp Genetics (formerly Invitae), Labcorp
Classification: Uncertain significance for Familial adenomatous polyposis 1. Last evaluated: 2024-10-21. Review status: criteria provided, single submitter. Criteria: Invitae Variant Classification Sherloc (09022015). Collection method: clinical testing. Allele origin: germline.
Comment: This sequence change replaces histidine, which is basic and polar, with proline, which is neutral and non-polar, at codon 2591 of the APC protein (p.His2591Pro). This variant is present in population databases (rs375393416, gnomAD 0.002%). This variant has not been reported in the literature in individuals affected with APC-related conditions. ClinVar contains an entry for this variant (Variation ID: 470108). Invitae Evidence Modeling of protein sequence and biophysical properties (such as structural, functional, and spatial information, amino acid conservation, physicochemical variation, residue mobility, and thermodynamic stability) indicates that this missense variant is not expected to disrupt APC protein function with a negative predictive value of 95%. In summary, the available evidence is currently insufficient to determine the role of this variant in disease. Therefore, it has been classified as a Variant of Uncertain Significance.

Ambry Genetics
Classification: Likely benign for Hereditary cancer-predisposing syndrome. Last evaluated: 2024-04-02. Review status: criteria provided, single submitter. Criteria: Ambry Variant Classification Scheme 2023. Collection method: clinical testing. Allele origin: germline.

Baylor Genetics
Classification: Uncertain significance for Familial adenomatous polyposis 1. Last evaluated: 2024-03-13. Review status: criteria provided, single submitter. Criteria: ACMG Guidelines, 2015. Collection method: clinical testing. Allele origin: unknown.

GeneDx
Classification: Uncertain significance. Last evaluated: 2023-12-12. Review status: criteria provided, single submitter. Criteria: GeneDx Variant Classification Process June 2021. Collection method: clinical testing. Allele origin: germline. Affected: yes.
Comment: Not observed at significant frequency in large population cohorts (gnomAD); In silico analysis supports that this missense variant does not alter protein structure/function; Has not been previously published as pathogenic or benign to our knowledge; This variant is associated with the following publications: (PMID: 18199528)

NM_000038.6(APC):c.7772A>C (p.His2591Pro)

Gene: APC (APC regulator of Wnt signaling pathway; plus strand). Cytogenetic location: 5q22.2.
Variant type: single nucleotide variant.
Coding change: c.7772A>C on transcript NM_000038.6 (MANE Select); coding-DNA position 7772, A replaced by C.
Protein change: p.His2591Pro; replaces histidine 2591 with proline.
Molecular consequence: missense variant.
Genome position (GRCh38, 1-based): chr5:112,843,366, A>C. VCF-style: chr5-112843366-A-C. GRCh37 (hg19) VCF-style: chr5-112179063-A-C.
Other names: c.7772A>C, p.His2591Pro (NM_001127510.3, NM_001354895.2); c.7718A>C, p.His2573Pro (NM_001127511.3); c.7826A>C, p.His2609Pro (NM_001354896.2); c.7802A>C, p.His2601Pro (NM_001354897.2); c.7697A>C, p.His2566Pro (NM_001354898.2); c.7688A>C, p.His2563Pro (NM_001354899.2); c.7649A>C, p.His2550Pro (NM_001354900.2); c.7595A>C, p.His2532Pro (NM_001354901.2); and 5 more; short protein forms H2573P, H2591P, H2308P, H2563P, H2431P, H2500P, H2532P, H2465P.
Identifiers: ClinVar variation 470108 (VCV000470108.16), dbSNP rs375393416, ClinGen allele CA049129.
Genomic context (GRCh38, chr5:112,843,366, plus strand): 5'-CTTCAATTCTTTCTGCTTCATCAGAATCCAGTGAAAAAGCAAAAAGTGAGGATGAAAAAC[A>C]TGTGAACTCTATTTCAGGAACCAAACAAAGTAAAGAAAACCAAGTATCCGCAAAAGGAAC-3'
Protein context (NP_000029.2, residues 2581-2601): SEKAKSEDEK[His2591Pro]VNSISGTKQS